The following is an entry in ClinVar:

NM_000038.6(APC):c.206T>C (p.Leu69Ser)

Gene: APC (APC regulator of Wnt signaling pathway; plus strand). Cytogenetic location: 5q22.2.
Variant type: single nucleotide variant.
Coding change: c.206T>C on transcript NM_000038.6 (MANE Select); coding-DNA position 206, T replaced by C.
Protein change: p.Leu69Ser; replaces leucine 69 with serine.
Molecular consequence: missense variant. On other transcripts: 5 prime UTR variant (1).
Genome position (GRCh38, 1-based): chr5:112,766,396, T>C. VCF-style: chr5-112766396-T-C. GRCh37 (hg19) VCF-style: chr5-112102093-T-C.
Other names: c.206T>C, p.Leu69Ser (NM_001127510.3, NM_001354895.2, NM_001354896.2 and 2 more transcripts); c.236T>C, p.Leu79Ser (NM_001127511.3, NM_001354897.2, NM_001354902.2); c.131T>C, p.Leu44Ser (NM_001354898.2, NM_001354904.2); c.29T>C, p.Leu10Ser (NM_001354900.2, NM_001354901.2, NM_001354905.2); c.-830T>C (NM_001354906.2); short protein forms L10S, L44S, L69S, L79S.
Identifiers: ClinVar variation 1057751 (VCV001057751.13), dbSNP rs752519066, ClinGen allele CA16021793.

ClinVar aggregate classification (germline): Uncertain significance. Review status: criteria provided, multiple submitters, no conflicts (2 of 4 stars). 3 submissions from 3 submitters: Uncertain significance (3). Last evaluated 2024-04-24.

Conditions:
Familial adenomatous polyposis 1 (FAP1). Also called: FAMILIAL ADENOMATOUS POLYPOSIS 1, ATTENUATED; POLYPOSIS, ADENOMATOUS INTESTINAL. Identifiers: MedGen C2713442, MONDO:0021056, OMIM 175100. Disease mechanism: loss of function.
Hereditary cancer-predisposing syndrome. Also called: Hereditary Cancer Syndrome; Tumor predisposition; Hereditary neoplastic syndrome; Neoplastic Syndromes, Hereditary. Identifiers: Orphanet 140162, MedGen C0027672, MeSH D009386, MONDO:0015356.

Submissions (3):

Labcorp Genetics (formerly Invitae), Labcorp
Classification: Uncertain significance for Familial adenomatous polyposis 1. Last evaluated: 2024-04-24. Review status: criteria provided, single submitter. Criteria: Invitae Variant Classification Sherloc (09022015). Collection method: clinical testing. Allele origin: germline.
Comment: This sequence change replaces leucine, which is neutral and non-polar, with serine, which is neutral and polar, at codon 69 of the APC protein (p.Leu69Ser). This variant is not present in population databases (gnomAD no frequency). This variant has not been reported in the literature in individuals affected with APC-related conditions. ClinVar contains an entry for this variant (Variation ID: 1057751). Advanced modeling of protein sequence and biophysical properties (such as structural, functional, and spatial information, amino acid conservation, physicochemical variation, residue mobility, and thermodynamic stability) performed at Invitae indicates that this missense variant is not expected to disrupt APC protein function with a negative predictive value of 95%. In summary, the available evidence is currently insufficient to determine the role of this variant in disease. Therefore, it has been classified as a Variant of Uncertain Significance.

Ambry Genetics
Classification: Uncertain significance for Hereditary cancer-predisposing syndrome. Last evaluated: 2024-03-07. Review status: criteria provided, single submitter. Criteria: Ambry Variant Classification Scheme 2023. Collection method: clinical testing. Allele origin: germline.
Comment: The p.L69S variant (also known as c.206T>C), located in coding exon 2 of the APC gene, results from a T to C substitution at nucleotide position 206. The leucine at codon 69 is replaced by serine, an amino acid with dissimilar properties. This amino acid position is well conserved in available vertebrate species. In addition, in silico predictors for this gene do not accurately predict pathogenicity. Based on the available evidence, the clinical significance of this alteration remains unclear.

GeneDx
Classification: Uncertain significance. Last evaluated: 2020-01-27. Review status: criteria provided, single submitter. Criteria: GeneDx Variant Classification Process June 2021. Collection method: clinical testing. Allele origin: germline. Affected: yes.
Comment: Not observed in large population cohorts (Lek 2016); In silico analysis, which includes protein predictors and evolutionary conservation, supports a deleterious effect; Has not been previously published as pathogenic or benign to our knowledge